The following is an entry in ClinVar:

ClinVar aggregate classification (germline): Uncertain significance (1 of 4 stars; one submission).

Conditions:
Severe combined immunodeficiency due to DNA-PKcs deficiency. Also called: IMMUNODEFICIENCY 26 WITH NEUROLOGIC ABNORMALITIES; Immunodeficiency 26 with or without neurologic abnormalities. Identifiers: Orphanet 317425, MedGen C4014833, MONDO:0014423, OMIM 615966.

Allele frequency attached by ClinVar (database versions not stated): ExAC 0.00001; ESP Exome Variant Server 0.00008; gnomAD exomes below 0.00001.
gnomAD v4.1: 2 of 1,613,910 alleles (0.00012%); highest among the groups gnomAD compares: Non-Finnish European, 0.00017%; no homozygotes.

Submission:

Labcorp Genetics (formerly Invitae), Labcorp
Classification: Uncertain significance for Severe combined immunodeficiency due to DNA-PKcs deficiency. Last evaluated: 2025-03-10. Review status: criteria provided, single submitter. Criteria: Invitae Variant Classification Sherloc (09022015). Collection method: clinical testing. Allele origin: germline.
Comment: This sequence change replaces asparagine, which is neutral and polar, with aspartic acid, which is acidic and polar, at codon 3524 of the PRKDC protein (p.Asn3524Asp). This variant is present in population databases (rs374286545, gnomAD 0.007%). This variant has not been reported in the literature in individuals affected with PRKDC-related conditions. ClinVar contains an entry for this variant (Variation ID: 2962581). Invitae Evidence Modeling of protein sequence and biophysical properties (such as structural, functional, and spatial information, amino acid conservation, physicochemical variation, residue mobility, and thermodynamic stability) indicates that this missense variant is not expected to disrupt PRKDC protein function with a negative predictive value of 80%. In summary, the available evidence is currently insufficient to determine the role of this variant in disease. Therefore, it has been classified as a Variant of Uncertain Significance.

NM_006904.7(PRKDC):c.10570A>G (p.Asn3524Asp)

Gene: PRKDC (protein kinase, DNA-activated, catalytic subunit; minus strand). Cytogenetic location: 8q11.21.
Variant type: single nucleotide variant.
Coding change: c.10570A>G on transcript NM_006904.7 (MANE Select); coding-DNA position 10570, A replaced by G.
Protein change: p.Asn3524Asp; replaces asparagine 3524 with aspartic acid.
Molecular consequence: missense variant.
Genome position (GRCh38, 1-based): chr8:47,794,390, T>C on the plus strand (A>G on the coding strand, the complement: PRKDC is on the minus strand). VCF-style: chr8-47794390-T-C. GRCh37 (hg19) VCF-style: chr8-48706951-T-C.
Other names: c.10570A>G, p.Asn3524Asp (NM_001081640.2); short protein forms N3524D.
Identifiers: ClinVar variation 2962581 (VCV002962581.3), dbSNP rs374286545, ClinGen allele CA4739296.
Genomic context (GRCh38, chr8:47,794,390, plus strand): 5'-CCTTGAAGGAATAGCTTTCGCTGCTTATGATGAAGGGATAAACAATAGCCTGCGGGTAGT[T>C]ATCAGTGATTTCTTCCACAGAGTGCTGAACAGCAACGGCTTGGTCTTTGTCCAGTAAGGC-3'
Protein context (NP_008835.5, residues 3514-3534): VQHSVEEITD[Asn3524Asp]YPQAIVYPFI